The following is an entry in ClinVar:

ClinVar aggregate classification (germline): Uncertain significance. Review status: criteria provided, multiple submitters, no conflicts (2 of 4 stars). 2 submissions from 2 submitters: Uncertain significance (2). Last evaluated 2025-10-27.

Allele frequency attached by ClinVar (database versions not stated): TOPMed 0.00003; gnomAD 0.00004; gnomAD exomes 0.00005; ExAC 0.00007; ESP Exome Variant Server 0.00008; 1000 Genomes Project 30x 0.00016; 1000 Genomes Project 0.00020.
gnomAD v4.1: 77 of 1,581,710 alleles (0.0049%); highest among the groups gnomAD compares: Admixed American, 0.046%; no homozygotes.

Submissions (2):

Labcorp Genetics (formerly Invitae), Labcorp
Classification: Uncertain significance. Last evaluated: 2025-10-27. Review status: criteria provided, single submitter. Criteria: Invitae Variant Classification Sherloc (09022015). Collection method: clinical testing. Allele origin: germline.
Comment: This sequence change replaces isoleucine, which is neutral and non-polar, with valine, which is neutral and non-polar, at codon 110 of the TPRKB protein (p.Ile110Val). This variant is present in population databases (rs374540032, gnomAD 0.08%), and has an allele count higher than expected for a pathogenic variant. This variant has not been reported in the literature in individuals affected with TPRKB-related conditions. ClinVar contains an entry for this variant (Variation ID: 1902125). An algorithm developed to predict the effect of missense changes on protein structure and function outputs the following: PolyPhen-2: "Benign". The valine amino acid residue is found in multiple mammalian species, which suggests that this missense change does not adversely affect protein function. In summary, the available evidence is currently insufficient to determine the role of this variant in disease. Therefore, it has been classified as a Variant of Uncertain Significance.

Ambry Genetics
Classification: Uncertain significance. Last evaluated: 2023-01-18. Review status: criteria provided, single submitter. Criteria: Ambry Variant Classification Scheme 2023. Collection method: clinical testing. Allele origin: germline.

NM_016058.5(TPRKB):c.328A>G (p.Ile110Val)

Gene: TPRKB (TP53RK binding protein; minus strand). Cytogenetic location: 2p13.1.
Variant type: single nucleotide variant.
Coding change: c.328A>G on transcript NM_016058.5 (MANE Select); coding-DNA position 328, A replaced by G.
Protein change: p.Ile110Val; replaces isoleucine 110 with valine.
Molecular consequence: missense variant.
Genome position (GRCh38, 1-based): chr2:73,730,673, T>C on the plus strand (A>G on the coding strand, the complement: TPRKB is on the minus strand). VCF-style: chr2-73730673-T-C. GRCh37 (hg19) VCF-style: chr2-73957800-T-C.
Other names: c.328A>G (NM_016058.2); c.445A>G, p.Ile149Val (NM_001330386.2, NM_001330387.2); c.328A>G, p.Ile110Val (NM_001330388.2, NM_001330389.2); c.274A>G, p.Ile92Val (NM_001330390.2); c.229A>G, p.Ile77Val (NM_001330391.2, NM_001330392.2); short protein forms I92V, I149V, I110V, I77V.
Identifiers: ClinVar variation 1902125 (VCV001902125.7), dbSNP rs374540032, ClinGen allele CA1716393.
Genomic context (GRCh38, chr2:73,730,673, plus strand): 5'-GATGACCTTCTACTTGAGATATTAGGTATTCTTGATTTATTTGTTTTTCTCCCTCTTCAA[T>C]GTAAACAATTAGAATTGAAGTGTCATTTGCTGAGATACCAAATTTTTTCAAAGCCTCTGA-3'
Protein context (NP_057142.1, residues 100-120): ANDTSILIVY[Ile110Val]EEGEKQINQE